The following is an entry in ClinVar:

ClinVar aggregate classification (germline): Uncertain significance. Review status: criteria provided, multiple submitters, no conflicts (2 of 4 stars). 3 submissions from 3 submitters: Uncertain significance (3). Last evaluated 2025-08-29.

Conditions:
Inborn genetic diseases. Identifiers: MedGen C0950123, MeSH D030342.

Allele frequency attached by ClinVar (database versions not stated): gnomAD exomes below 0.00001; ExAC 0.00001; gnomAD 0.00001; TOPMed 0.00002.

Submissions (3):

Ambry Genetics
Classification: Uncertain significance for Inborn genetic diseases. Last evaluated: 2025-08-29. Review status: criteria provided, single submitter. Criteria: Ambry Variant Classification Scheme 2023. Collection method: clinical testing. Allele origin: germline.

GeneDx
Classification: Uncertain significance. Last evaluated: 2022-05-13. Review status: criteria provided, single submitter. Criteria: GeneDx Variant Classification Process June 2021. Collection method: clinical testing. Allele origin: germline. Affected: yes.
Comment: Has not been previously published as pathogenic or benign to our knowledge; Not observed at significant frequency in large population cohorts (gnomAD); In silico analysis supports that this missense variant has a deleterious effect on protein structure/function

CeGaT Center for Human Genetics Tuebingen
Classification: Uncertain significance. Last evaluated: 2020-07-01. Review status: criteria provided, single submitter. Criteria: CeGaT Center For Human Genetics Tuebingen Variant Classification Criteria Version 2. Collection method: clinical testing. Allele origin: germline. Affected: yes. Observed: 1 variant allele.

NM_014244.5(ADAMTS2):c.1736C>T (p.Thr579Met)

Gene: ADAMTS2 (ADAM metallopeptidase with thrombospondin type 1 motif 2; minus strand). Cytogenetic location: 5q35.3.
Variant type: single nucleotide variant.
Coding change: c.1736C>T on transcript NM_014244.5 (MANE Select); coding-DNA position 1736, C replaced by T.
Protein change: p.Thr579Met; replaces threonine 579 with methionine.
Molecular consequence: missense variant.
Genome position (GRCh38, 1-based): chr5:179,139,929, G>A on the plus strand (C>T on the coding strand, the complement: ADAMTS2 is on the minus strand). VCF-style: chr5-179139929-G-A. GRCh37 (hg19) VCF-style: chr5-178566930-G-A.
Other names: short protein forms T579M.
Identifiers: ClinVar variation 1012756 (VCV001012756.41), dbSNP rs760943346, ClinGen allele CA3595797.
Genomic context (GRCh38, chr5:179,139,929, plus strand): 5'-GGGGACATGGGGCCAACTCACTGTGGGTTGTCACACTGGCGGGTCCTGAACTTCACGCCC[G>A]TGCCACAGGTACGTGAGCAGGAGCCAAACGGACTCCAAGCGCCCCAGCTGCCGTCCCGTT-3'
Protein context (NP_055059.2, residues 569-589): PFGSCSRTCG[Thr579Met]GVKFRTRQCD